The following is an entry in ClinVar:

NM_000077.5(CDKN2A):c.180G>A (p.Ala60=)

Gene: CDKN2A (cyclin dependent kinase inhibitor 2A; minus strand). Cytogenetic location: 9p21.3.
Variant type: single nucleotide variant.
Coding change: c.180G>A on transcript NM_000077.5; coding-DNA position 180, G replaced by A.
Protein change: p.Ala60=; no amino-acid change (alanine 60 retained).
Molecular consequence: synonymous variant (on NM_000077.6). On other transcripts: missense variant (1), 3 prime UTR variant (1).
Genome position (GRCh38, 1-based): chr9:21,971,179, C>T on the plus strand (G>A on the coding strand, the complement: CDKN2A is on the minus strand). VCF-style: chr9-21971179-C-T. GRCh37 (hg19) VCF-style: chr9-21971178-C-T.
Other names: c.180G>A, p.Ala60= (NM_000077.6, NM_001195132.2); c.27G>A, p.Ala9= (NM_001363763.2); c.223G>A, p.Gly75Arg (NM_058195.4); c.*103G>A (NM_058197.5); short protein forms G75R.
Identifiers: ClinVar variation 567892 (VCV000567892.11), dbSNP rs1286147184, ClinGen allele CA373086395.

ClinVar aggregate classification (germline): Uncertain significance. Review status: criteria provided, multiple submitters, no conflicts (2 of 4 stars). 2 submissions from 2 submitters: Uncertain significance (2). Last evaluated 2026-01-29.

Conditions:
Hereditary cancer-predisposing syndrome. Also called: Hereditary neoplastic syndrome; Neoplastic Syndromes, Hereditary; Hereditary Cancer Syndrome; Tumor predisposition. Identifiers: Orphanet 140162, MedGen C0027672, MeSH D009386, MONDO:0015356.
Familial melanoma. Also called: Hereditary melanoma; Hereditary cutaneous melanoma. Identifiers: Orphanet 618, MedGen C1512419, MONDO:0018961.

Allele frequency attached by ClinVar (database versions not stated): gnomAD exomes below 0.00001; gnomAD 0.00001.

Submissions (2):

Ambry Genetics
Classification: Uncertain significance for Hereditary cancer-predisposing syndrome. Last evaluated: 2026-01-29. Review status: criteria provided, single submitter. Criteria: Ambry Variant Classification Scheme 2023. Collection method: clinical testing. Allele origin: germline.
Comment: The c.180G>A variant (also known as p.A60A), located in coding exon 2 of the CDKN2A gene, results from a G to A substitution at nucleotide position 180 and does not change the amino acid at position 60 of the p16 isoform.Of note, this variant is also known as p.G75R (c.223G>A)in the p14(ARF) isoform and results from a glycine to arginine substitution at amino acid position 75. The evidence supporting a relationship between p14(ARF) and melanoma-pancreatic cancer syndrome is limited; therefore, the association of this variant with this gene-disease relationship is unknown. However, the association of this variant in the p16 isoform with melanoma-pancreatic cancer syndrome is unlikely.

Labcorp Genetics (formerly Invitae), Labcorp
Classification: Uncertain significance for Familial melanoma. Last evaluated: 2021-09-16. Review status: criteria provided, single submitter. Criteria: Invitae Variant Classification Sherloc (09022015). Collection method: clinical testing. Allele origin: germline.